The following is an entry in ClinVar:

ClinVar aggregate classification (germline): Likely pathogenic. Review status: criteria provided, multiple submitters, no conflicts (2 of 4 stars). 2 submissions from 2 submitters: Likely pathogenic (2). Last evaluated 2023-07-24.

Conditions:
Retinitis pigmentosa 25 (RP25). Identifiers: Orphanet 791, MedGen C1864446, MONDO:0011272, OMIM 602772.
Retinitis pigmentosa (RP). Identifiers: Orphanet 791, MedGen C0035334, MeSH D012174, MONDO:0019200, OMIM 268000. Inheritance: Autosomal dominant, autosomal recessive and X linked inheritance.

Submissions (2):

Ophthalmic Genetics Group, Institute of Molecular and Clinical Ophthalmology Basel
Classification: Likely pathogenic for Retinitis pigmentosa. Last evaluated: 2023-07-24. Review status: criteria provided, single submitter. Criteria: ACMG Guidelines, 2015. Collection method: research. Allele origin: germline. Affected: yes. Observed: 1 variant allele.
Comment: Clinical significance based on ACMG v2.0

This variant was classified as Likely pathogenic based on ACMG criteria: PVS1, PM2.

Juno Genomics, Hangzhou Juno Genomics, Inc
Classification: Likely pathogenic for Retinitis pigmentosa 25. Review status: criteria provided, single submitter. Criteria: ACMG Guidelines, 2015. Collection method: clinical testing. Allele origin: germline.
Comment: Null variant in a gene where loss of function (LOF) is a known mechanism of disease.;Absent from controls (or at extremely low frequency if recessive) in Genome Aggregation Database.

Literature cited by the submitters: PubMed 36909829 (cited by Ophthalmic Genetics Group, Institute of Molecular and Clinical Ophthalmology Basel).

NM_001142800.2(EYS):c.4100C>A (p.Ser1367Ter)

Gene: EYS (EGF-like photoreceptor maintenance factor; minus strand). Cytogenetic location: 6q12.
Variant type: single nucleotide variant.
Coding change: c.4100C>A on transcript NM_001142800.2 (MANE Select); coding-DNA position 4100, C replaced by A.
Protein change: p.Ser1367Ter; replaces serine 1367 with a stop codon.
Molecular consequence: nonsense.
Genome position (GRCh38, 1-based): chr6:64,591,767, G>T on the plus strand (C>A on the coding strand, the complement: EYS is on the minus strand). VCF-style: chr6-64591767-G-T. GRCh37 (hg19) VCF-style: chr6-65301660-G-T.
Other names: NC_000006.11:g.65301660G>T; NP_001136272.1:p.(Ser1367Ter); c.4100C>A, p.Ser1367Ter (NM_001292009.2); short protein forms S1367*.
Identifiers: ClinVar variation 2577513 (VCV002577513.4), dbSNP rs773888841, ClinGen allele CA364784043.
Genomic context (GRCh38, chr6:64,591,767, plus strand): 5'-CTATCAGGAAAAAAGAAACCTAGTGTGGCTGCTGAAGTTCGAATAGGCATATGTGATACC[G>T]ATGTTTTGTCCTGGACAATTTGTGCTGGGTCACGAATACCAAAATTCAGGAATCGAGAAG-3'